The following is an entry in ClinVar:

ClinVar aggregate classification (germline): Uncertain significance. Review status: criteria provided, multiple submitters, no conflicts (2 of 4 stars). 3 submissions from 3 submitters: Uncertain significance (3). Last evaluated 2025-06-10.

Allele frequency attached by ClinVar (database versions not stated): gnomAD exomes 0.00001; ExAC 0.00002; ESP Exome Variant Server 0.00008; TOPMed 0.00008; gnomAD 0.00009; 1000 Genomes Project 30x 0.00016; 1000 Genomes Project 0.00020.
gnomAD v4.1: 28 of 1,613,950 alleles (0.0017%); highest among the groups gnomAD compares: African/African-American, 0.033%; no homozygotes.

Submissions (3):

Ambry Genetics
Classification: Uncertain significance. Last evaluated: 2025-06-10. Review status: criteria provided, single submitter. Criteria: Ambry Variant Classification Scheme 2023. Collection method: clinical testing. Allele origin: germline.

Blueprint Genetics
Classification: Uncertain significance. Last evaluated: 2023-10-02. Review status: criteria provided, single submitter. Criteria: ACMG Guidelines, 2015. Collection method: clinical testing. Allele origin: germline.

Labcorp Genetics (formerly Invitae), Labcorp
Classification: Uncertain significance. Last evaluated: 2022-10-13. Review status: criteria provided, single submitter. Criteria: Invitae Variant Classification Sherloc (09022015). Collection method: clinical testing. Allele origin: germline.
Comment: This sequence change replaces glutamic acid, which is acidic and polar, with lysine, which is basic and polar, at codon 403 of the KIZ protein (p.Glu403Lys). This variant is present in population databases (rs367937294, gnomAD 0.02%). This variant has not been reported in the literature in individuals affected with KIZ-related conditions. Experimental studies and prediction algorithms are not available or were not evaluated, and the functional significance of this variant is currently unknown. In summary, the available evidence is currently insufficient to determine the role of this variant in disease. Therefore, it has been classified as a Variant of Uncertain Significance.

NM_018474.6(KIZ):c.1207G>A (p.Glu403Lys)

Gene: KIZ (kizuna centrosomal protein; plus strand). Cytogenetic location: 20p11.23.
Variant type: single nucleotide variant.
Coding change: c.1207G>A on transcript NM_018474.6 (MANE Select); coding-DNA position 1207, G replaced by A.
Protein change: p.Glu403Lys; replaces glutamic acid 403 with lysine.
Molecular consequence: missense variant.
Genome position (GRCh38, 1-based): chr20:21,163,014, G>A. VCF-style: chr20-21163014-G-A. GRCh37 (hg19) VCF-style: chr20-21143655-G-A.
Other names: c.1207G>A (NM_018474.4); c.898G>A, p.Glu300Lys (NM_001163022.3, NM_001352435.2); c.808G>A, p.Glu270Lys (NM_001163023.3); c.1060G>A, p.Glu354Lys (NM_001276389.2); c.1207G>A, p.Glu403Lys (NM_001352434.2); c.865G>A, p.Glu289Lys (NM_001352436.2); short protein forms E403K, E289K, E270K, E300K, E354K.
Identifiers: ClinVar variation 2053915 (VCV002053915.3), dbSNP rs367937294, ClinGen allele CA9784796.